The following is an entry in ClinVar:

NM_207361.6(FREM2):c.*4465C>T

Gene: FREM2 (FRAS1 related extracellular matrix 2; plus strand). Cytogenetic location: 13q13.3.
Variant type: single nucleotide variant.
Coding change: c.*4465C>T on transcript NM_207361.6 (MANE Select); 4465 bases downstream of the stop codon, C replaced by T.
Molecular consequence: 3 prime UTR variant.
Genome position (GRCh38, 1-based): chr13:38,885,252, C>T. VCF-style: chr13-38885252-C-T. GRCh37 (hg19) VCF-style: chr13-39459389-C-T.
Identifiers: ClinVar variation 312087 (VCV000312087.6), dbSNP rs2027770, ClinGen allele CA10639524.

ClinVar aggregate classification (germline): Benign. Review status: criteria provided, multiple submitters, no conflicts (2 of 4 stars). 2 submissions from 2 submitters: Benign (2). Last evaluated 2018-01-13.

Conditions:
Fraser syndrome 2 (FRASRS2). Identifiers: MedGen C4540036, MONDO:0054738, OMIM 617666.

Allele frequency attached by ClinVar (database versions not stated): gnomAD 0.73344 and 0.73599; TOPMed 0.74019; 1000 Genomes Project 0.74740; 1000 Genomes Project 30x 0.74828.

Submissions (2):

Illumina Laboratory Services, Illumina
Classification: Benign for Fraser syndrome 2. Last evaluated: 2018-01-13. Review status: criteria provided, single submitter. Criteria: ICSL Variant Classification Criteria 13 December 2019. Collection method: clinical testing. Allele origin: germline.
Comment: This variant was observed in the ICSL laboratory as part of a predisposition screen in an ostensibly healthy population. It had not been previously curated by ICSL or reported in the Human Gene Mutation Database (HGMD: prior to June 1st, 2018), and was therefore a candidate for classification through an automated scoring system. Utilizing variant allele frequency, disease prevalence and penetrance estimates, and inheritance mode, an automated score was calculated to assess if this variant is too frequent to cause the disease. Based on the score and internal cut-off values, a variant classified as benign is not then subjected to further curation. The score for this variant resulted in a classification of benign for this disease.

Breakthrough Genomics
Classification: Benign. Review status: criteria provided, single submitter. Criteria: ACMG Guidelines, 2015. Collection method: not provided. Allele origin: germline. Inheritance: Autosomal recessive inheritance. Affected: yes.